The following is an entry in ClinVar:

ClinVar aggregate classification (germline): Uncertain significance. Review status: criteria provided, multiple submitters, no conflicts (2 of 4 stars). 2 submissions from 2 submitters: Uncertain significance (2). Last evaluated 2024-03-12.

Conditions:
Hereditary cancer-predisposing syndrome. Also called: Tumor predisposition; Hereditary Cancer Syndrome; Hereditary neoplastic syndrome; Neoplastic Syndromes, Hereditary. Identifiers: Orphanet 140162, MedGen C0027672, MeSH D009386, MONDO:0015356.
Familial adenomatous polyposis 1 (FAP1). Also called: FAMILIAL ADENOMATOUS POLYPOSIS 1, ATTENUATED; POLYPOSIS, ADENOMATOUS INTESTINAL. Identifiers: MedGen C2713442, MONDO:0021056, OMIM 175100. Disease mechanism: loss of function.

Submissions (2):

Ambry Genetics
Classification: Uncertain significance for Hereditary cancer-predisposing syndrome. Last evaluated: 2024-03-12. Review status: criteria provided, single submitter. Criteria: Ambry Variant Classification Scheme 2023. Collection method: clinical testing. Allele origin: germline.
Comment: The p.W699C variant (also known as c.2097G>C), located in coding exon 15 of the APC gene, results from a G to C substitution at nucleotide position 2097. The tryptophan at codon 699 is replaced by cysteine, an amino acid with highly dissimilar properties. This amino acid position is highly conserved in available vertebrate species. In addition, in silico predictors for this gene do not accurately predict pathogenicity. Based on the available evidence, the clinical significance of this alteration remains unclear.

Labcorp Genetics (formerly Invitae), Labcorp
Classification: Uncertain significance for Familial adenomatous polyposis 1. Last evaluated: 2017-10-01. Review status: criteria provided, single submitter. Criteria: Invitae Variant Classification Sherloc (09022015). Collection method: clinical testing. Allele origin: germline.
Comment: This sequence change replaces tryptophan with cysteine at codon 699 of the APC protein (p.Trp699Cys). The tryptophan residue is highly conserved and there is a large physicochemical difference between tryptophan and cysteine. This variant is not present in population databases (ExAC no frequency). This variant has not been reported in the literature in individuals with APC-related disease. Algorithms developed to predict the effect of missense changes on protein structure and function (SIFT, PolyPhen-2, Align-GVGD) all suggest that this variant is likely to be disruptive, but these predictions have not been confirmed by published functional studies and their clinical significance is uncertain. In summary, the available evidence is currently insufficient to determine the role of this variant in disease. Therefore, it has been classified as a Variant of Uncertain Significance.

NM_000038.6(APC):c.2097G>C (p.Trp699Cys)

Gene: APC (APC regulator of Wnt signaling pathway; plus strand). Cytogenetic location: 5q22.2.
Variant type: single nucleotide variant.
Coding change: c.2097G>C on transcript NM_000038.6 (MANE Select); coding-DNA position 2097, G replaced by C.
Protein change: p.Trp699Cys; replaces tryptophan 699 with cysteine.
Molecular consequence: missense variant.
Genome position (GRCh38, 1-based): chr5:112,837,691, G>C. VCF-style: chr5-112837691-G-C. GRCh37 (hg19) VCF-style: chr5-112173388-G-C.
Other names: c.2097G>C, p.Trp699Cys (NM_001127510.3, NM_001354895.2); c.2043G>C, p.Trp681Cys (NM_001127511.3); c.2151G>C, p.Trp717Cys (NM_001354896.2); c.2127G>C, p.Trp709Cys (NM_001354897.2); c.2022G>C, p.Trp674Cys (NM_001354898.2); c.2013G>C, p.Trp671Cys (NM_001354899.2); c.1974G>C, p.Trp658Cys (NM_001354900.2); c.1920G>C, p.Trp640Cys (NM_001354901.2); and 5 more; short protein forms W681C, W699C, W539C, W608C, W717C, W598C, W709C, W640C.
Identifiers: ClinVar variation 537436 (VCV000537436.11), dbSNP rs1060503282, ClinGen allele CA16025911.